The following is an entry in ClinVar:

NM_001042492.3(NF1):c.3849A>G (p.Lys1283=)

Gene: NF1 (neurofibromin 1; plus strand). Cytogenetic location: 17q11.2.
Variant type: single nucleotide variant.
Coding change: c.3849A>G on transcript NM_001042492.3 (MANE Select); coding-DNA position 3849, A replaced by G.
Protein change: p.Lys1283=; no amino-acid change (lysine 1283 retained).
Molecular consequence: synonymous variant.
Genome position (GRCh38, 1-based): chr17:31,235,751, A>G. VCF-style: chr17-31235751-A-G. GRCh37 (hg19) VCF-style: chr17-29562769-A-G.
Other names: c.3849A>G, p.Lys1283= (NM_000267.4).
Identifiers: ClinVar variation 824293 (VCV000824293.8), dbSNP rs1597722644, ClinGen allele CA499232639.

ClinVar aggregate classification (germline): Conflicting classifications of pathogenicity. Review status: criteria provided, conflicting classifications (1 of 4 stars). 2 submissions from 2 submitters: Uncertain significance (1); Likely benign (1). Last evaluated 2024-09-21.

Conditions:
Hereditary cancer-predisposing syndrome. Also called: Neoplastic Syndromes, Hereditary; Hereditary Cancer Syndrome; Hereditary neoplastic syndrome; Tumor predisposition. Identifiers: Orphanet 140162, MedGen C0027672, MeSH D009386, MONDO:0015356.
Cardiovascular phenotype. Identifiers: MedGen CN230736.
Neurofibromatosis, type 1 (NF1). Also called: Neurofibromatosis, type I; Peripheral type neurofibromatosis; VON RECKLINGHAUSEN DISEASE; NEUROFIBROMATOSIS, TYPE I, SOMATIC. Identifiers: Orphanet 636, MedGen C0027831, MONDO:0018975, OMIM 162200. Disease mechanism: loss of function.

gnomAD v4.1: 1 of 1,614,152 alleles (0.000062%); highest among the groups gnomAD compares: Non-Finnish European, 0.000085%; no homozygotes.

Submissions (2):

Ambry Genetics
Classification: Uncertain significance for Cardiovascular phenotype; Hereditary cancer-predisposing syndrome. Last evaluated: 2024-09-21. Review status: criteria provided, single submitter. Criteria: Ambry Variant Classification Scheme 2023. Collection method: clinical testing. Allele origin: germline.
Comment: The c.3849A>G variant (also known as p.K1283K), located in coding exon 28 of the NF1 gene, results from an A to G substitution at nucleotide position 3849. This nucleotide substitution does not change the lysine at codon 1283. This nucleotide position is not well conserved in available vertebrate species. In silico splice site analysis for this alteration is inconclusive. Based on the available evidence, the clinical significance of this variant remains unclear.

Labcorp Genetics (formerly Invitae), Labcorp
Classification: Likely benign for Neurofibromatosis, type 1. Last evaluated: 2023-04-05. Review status: criteria provided, single submitter. Criteria: Invitae Variant Classification Sherloc (09022015). Collection method: clinical testing. Allele origin: germline.